The following is an entry in ClinVar:

ClinVar aggregate classification (germline): Uncertain significance (1 of 4 stars; one submission).

Conditions:
Long QT syndrome (LQTS). Identifiers: MedGen C0023976, MeSH D008133, MONDO:0002442. Disease mechanism: loss of function. Inheritance: Various modes of inheritance.

gnomAD v4.1: 1 of 1,614,106 alleles (0.000062%); highest among the groups gnomAD compares: African/African-American, 0.0013%; no homozygotes.

Submission:

Labcorp Genetics (formerly Invitae), Labcorp
Classification: Uncertain significance for Long QT syndrome. Last evaluated: 2025-05-06. Review status: criteria provided, single submitter. Criteria: Invitae Variant Classification Sherloc (09022015). Collection method: clinical testing. Allele origin: germline.
Comment: This sequence change replaces phenylalanine, which is neutral and non-polar, with leucine, which is neutral and non-polar, at codon 3258 of the ANK2 protein (p.Phe3258Leu). This variant is not present in population databases (gnomAD no frequency). This variant has not been reported in the literature in individuals affected with ANK2-related conditions. An algorithm developed to predict the effect of missense changes on protein structure and function outputs the following: PolyPhen-2: "Possibly Damaging". The leucine amino acid residue is found in multiple mammalian species, which suggests that this missense change does not adversely affect protein function. In summary, the available evidence is currently insufficient to determine the role of this variant in disease. Therefore, it has been classified as a Variant of Uncertain Significance.

NM_001148.6(ANK2):c.9774T>A (p.Phe3258Leu)

Gene: ANK2 (ankyrin 2; plus strand). Cytogenetic location: 4q26.
Variant type: single nucleotide variant.
Coding change: c.9774T>A on transcript NM_001148.6 (MANE Select); coding-DNA position 9774, T replaced by A.
Protein change: p.Phe3258Leu; replaces phenylalanine 3258 with leucine.
Molecular consequence: missense variant. On other transcripts: intron variant (68).
Genome position (GRCh38, 1-based): chr4:113,358,392, T>A. VCF-style: chr4-113358392-T-A. GRCh37 (hg19) VCF-style: chr4-114279548-T-A.
Other names: c.9540T>A, p.Phe3180Leu (NM_001386142.1); c.6174T>A, p.Phe2058Leu (NM_001386166.1); c.9915T>A, p.Phe3305Leu (NM_001386174.1); c.9891T>A, p.Phe3297Leu (NM_001386175.1); c.4412-2431T>A (NM_001386186.2, NM_001386148.2); c.4214-2431T>A (NM_001354269.3); c.4292-2431T>A (NM_001386187.2); c.4253-2431T>A (NM_001386147.1); and 35 more; short protein forms F3258L, F3297L, F2058L, F3180L, F3305L.
Identifiers: ClinVar variation 4717963 (VCV004717963.1).
Genomic context (GRCh38, chr4:113,358,392, plus strand): 5'-TGTAAAGCAGATATCCTGCCCCGACTCTTCTGAACCAGCTGTACAAGTCCAGTTAGATTT[T>A]TCCACACTCACCAGGTCTGTTTATTCAGATAGGGGTGATGATTCTCCCGATTCTTCCCCA-3'
Protein context (NP_001139.3, residues 3248-3268): SEPAVQVQLD[Phe3258Leu]STLTRSVYSD